The following is an entry in ClinVar:

ClinVar aggregate classification (germline): Likely benign. Review status: criteria provided, multiple submitters, no conflicts (2 of 4 stars). 3 submissions from 3 submitters: Likely benign (3). Last evaluated 2025-12-29.

Conditions:
IFT140-related disorder. Also called: IFT140-related condition.
Saldino-Mainzer syndrome (SRTD9). Also called: short-rib thoracic dysplasia 9 with or without polydactyly; SHORT-RIB THORACIC DYSPLASIA 9 WITHOUT POLYDACTYLY; CONORENAL SYNDROME; Renal dysplasia, retinal pigmentary dystrophy, cerebellar ataxia and skeletal dysplasia. Identifiers: Orphanet 140969, MedGen C1849437, MONDO:0009964, OMIM 266920.

Allele frequency attached by ClinVar (database versions not stated): gnomAD below 0.00001 and 0.00001; TOPMed 0.00001; gnomAD exomes 0.00005 and 0.00008; ExAC 0.00018.
gnomAD v4.1: 78 of 1,600,360 alleles (0.0049%); highest among the groups gnomAD compares: Admixed American, 0.021%; no homozygotes.

Submissions (3):

Labcorp Genetics (formerly Invitae), Labcorp
Classification: Likely benign for Saldino-Mainzer syndrome. Last evaluated: 2025-12-29. Review status: criteria provided, single submitter. Criteria: Invitae Variant Classification Sherloc (09022015). Collection method: clinical testing. Allele origin: germline.

PreventionGenetics, part of Exact Sciences
Classification: Likely benign for IFT140-related condition. Last evaluated: 2025-01-16. Review status: criteria provided, single submitter. Criteria: ACMG Guidelines, 2015. Collection method: clinical testing. Allele origin: germline.
Comment: This variant is classified as likely benign based on ACMG/AMP sequence variant interpretation guidelines (Richards et al. 2015 PMID: 25741868, with internal and published modifications).

Blueprint Genetics
Classification: Likely benign. Last evaluated: 2022-10-24. Review status: criteria provided, single submitter. Criteria: ACMG Guidelines, 2015. Collection method: clinical testing. Allele origin: germline.

NM_014714.4(IFT140):c.2616C>T (p.His872=)

Gene: IFT140 (intraflagellar transport 140; minus strand). Cytogenetic location: 16p13.3.
Variant type: single nucleotide variant.
Coding change: c.2616C>T on transcript NM_014714.4 (MANE Select); coding-DNA position 2616, C replaced by T.
Protein change: p.His872=; no amino-acid change (histidine 872 retained).
Molecular consequence: synonymous variant.
Genome position (GRCh38, 1-based): chr16:1,526,039, G>A on the plus strand (C>T on the coding strand, the complement: IFT140 is on the minus strand). VCF-style: chr16-1526039-G-A. GRCh37 (hg19) VCF-style: chr16-1576040-G-A.
Identifiers: ClinVar variation 715160 (VCV000715160.10), dbSNP rs761615768, ClinGen allele CA7813554.